The following is an entry in ClinVar:

ClinVar aggregate classification (germline): Uncertain significance. Review status: criteria provided, multiple submitters, no conflicts (2 of 4 stars). 4 submissions from 4 submitters: Uncertain significance (4). Last evaluated 2024-04-01.

Conditions:
Hereditary cancer-predisposing syndrome. Also called: Hereditary neoplastic syndrome; Neoplastic Syndromes, Hereditary; Tumor predisposition; Hereditary Cancer Syndrome. Identifiers: Orphanet 140162, MedGen C0027672, MeSH D009386, MONDO:0015356.
Microcephaly, normal intelligence and immunodeficiency (NBS). Also called: IMMUNODEFICIENCY, MICROCEPHALY, AND CHROMOSOMAL INSTABILITY; SEEMANOVA SYNDROME II; Nijmegen breakage syndrome; Microcephaly with normal intelligence immunodeficiency and lymphoreticular malignancies; Nonsyndromal microcephaly autosomal recessive with normal intelligence; Seemanova syndrome 2. Identifiers: Orphanet 647, MedGen C0398791, MONDO:0009623, OMIM 251260.

Allele frequency attached by ClinVar (database versions not stated): gnomAD exomes below 0.00001.
gnomAD v4.1: 1 of 1,614,024 alleles (0.000062%); highest among the groups gnomAD compares: Non-Finnish European, 0.000085%; no homozygotes.

Submissions (4):

Ambry Genetics
Classification: Uncertain significance for Hereditary cancer-predisposing syndrome. Last evaluated: 2024-04-01. Review status: criteria provided, single submitter. Criteria: Ambry Variant Classification Scheme 2023. Collection method: clinical testing. Allele origin: germline.
Comment: The p.M83K variant (also known as c.248T>A), located in coding exon 3 of the NBN gene, results from a T to A substitution at nucleotide position 248. The methionine at codon 83 is replaced by lysine, an amino acid with similar properties. This amino acid position is well conserved in available vertebrate species. In addition, the in silico prediction for this alteration is inconclusive. Since supporting evidence is limited at this time, the clinical significance of this alteration remains unclear.

Labcorp Genetics (formerly Invitae), Labcorp
Classification: Uncertain significance for Microcephaly, normal intelligence and immunodeficiency. Last evaluated: 2022-10-25. Review status: criteria provided, single submitter. Criteria: Invitae Variant Classification Sherloc (09022015). Collection method: clinical testing. Allele origin: germline.
Comment: This variant has not been reported in the literature in individuals affected with NBN-related conditions. In summary, the available evidence is currently insufficient to determine the role of this variant in disease. Therefore, it has been classified as a Variant of Uncertain Significance. Algorithms developed to predict the effect of missense changes on protein structure and function are either unavailable or do not agree on the potential impact of this missense change (SIFT: "Deleterious"; PolyPhen-2: "Possibly Damaging"; Align-GVGD: "Class C0"). ClinVar contains an entry for this variant (Variation ID: 480052). This variant is not present in population databases (gnomAD no frequency). This sequence change replaces methionine, which is neutral and non-polar, with lysine, which is basic and polar, at codon 83 of the NBN protein (p.Met83Lys).

Genome-Nilou Lab
Classification: Uncertain significance for Microcephaly, normal intelligence and immunodeficiency. Last evaluated: 2021-11-07. Review status: criteria provided, single submitter. Criteria: ACMG Guidelines, 2015. Collection method: clinical testing. Allele origin: germline. Affected: no.

Centre for Mendelian Genomics, University Medical Centre Ljubljana
Classification: Uncertain significance for Microcephaly, normal intelligence and immunodeficiency. Last evaluated: 2016-01-01. Review status: criteria provided, single submitter. Criteria: ACMG Guidelines, 2015. Collection method: clinical testing. Allele origin: unknown. Affected: yes.
Comment: This variant was classified as: Uncertain significance. The following ACMG criteria were applied in classifying this variant: PM2.

NM_002485.5(NBN):c.248T>A (p.Met83Lys)

Gene: NBN (nibrin; minus strand). Cytogenetic location: 8q21.3.
Variant type: single nucleotide variant.
Coding change: c.248T>A on transcript NM_002485.5 (MANE Select); coding-DNA position 248, T replaced by A.
Protein change: p.Met83Lys; replaces methionine 83 with lysine.
Molecular consequence: missense variant. On other transcripts: initiator codon variant (1).
Genome position (GRCh38, 1-based): chr8:89,981,447, A>T on the plus strand (T>A on the coding strand, the complement: NBN is on the minus strand). VCF-style: chr8-89981447-A-T. GRCh37 (hg19) VCF-style: chr8-90993675-A-T.
Other names: c.2T>A, p.Met1Lys (NM_001024688.3); short protein forms M83K, M1K.
Identifiers: ClinVar variation 480052 (VCV000480052.19), dbSNP rs940160589, ClinGen allele CA181280587.
Genomic context (GRCh38, chr8:89,981,447, plus strand): 5'-CCAAACACTCCAAAAGTAATACCATCCCCCGACTTCAAAGTTCGGGAAAAGCCATTCTGC[A>T]TTTTTTCCTCATTAACAAAGGTACCATACTTAGAATTATCTTTTAATGTCAATACAGGGA-3'
Protein context (NP_002476.2, residues 73-93): KYGTFVNEEK[Met83Lys]QNGFSRTLKS